The following is an entry in ClinVar:

ClinVar aggregate classification (germline): Uncertain significance (1 of 4 stars; one submission).

Conditions:
Hereditary spastic paraplegia 6 (SPG6). Also called: SPASTIC PARAPLEGIA 6, AUTOSOMAL DOMINANT. Identifiers: Orphanet 100988, MedGen C1838192, MONDO:0010878, OMIM 600363.

Submission:

Labcorp Genetics (formerly Invitae), Labcorp
Classification: Uncertain significance for Spastic paraplegia 6. Last evaluated: 2018-08-27. Review status: criteria provided, single submitter. Criteria: Invitae Variant Classification Sherloc (09022015). Collection method: clinical testing. Allele origin: germline.
Comment: A gross deletion of the genomic region encompassing the full coding sequence of the NIPA1 gene has been identified. The boundaries of this event are unknown as the deletion extends beyond the assayed region for this gene and therefore may encompass additional genes. This variant has not been reported in the literature in individuals with NIPA1-related disease. The current clinical and genetic evidence is not sufficient to establish whether loss-of-function variants in NIPA1 cause disease. In summary, the available evidence is currently insufficient to determine the role of this variant in disease. Therefore, it has been classified as a Variant of Uncertain Significance.

NC_000015.10:g.(?_22786637)_(22824259_?)del

Genes: NIPA1 (NIPA magnesium transporter 1; plus strand), LOC130056711 (ATAC-STARR-seq lymphoblastoid silent region 6261; plus strand), LOC130056710 (ATAC-STARR-seq lymphoblastoid silent region 6260; plus strand), LOC130056709 (ATAC-STARR-seq lymphoblastoid silent region 6259; plus strand), LOC130056712 (ATAC-STARR-seq lymphoblastoid active region 9154; plus strand) and 1 more. Cytogenetic location: 15q11.2.
Variant type: Deletion.
Identifiers: ClinVar variation 583526 (VCV000583526.2).